The following is an entry in ClinVar:

NM_001999.4(FBN2):c.967A>G (p.Ser323Gly)

Gene: FBN2 (fibrillin 2; minus strand). Cytogenetic location: 5q23.3.
Variant type: single nucleotide variant.
Coding change: c.967A>G on transcript NM_001999.4 (MANE Select); coding-DNA position 967, A replaced by G.
Protein change: p.Ser323Gly; replaces serine 323 with glycine.
Molecular consequence: missense variant.
Genome position (GRCh38, 1-based): chr5:128,408,785, T>C on the plus strand (A>G on the coding strand, the complement: FBN2 is on the minus strand). VCF-style: chr5-128408785-T-C. GRCh37 (hg19) VCF-style: chr5-127744478-T-C.
Other names: short protein forms S323G.
Identifiers: ClinVar variation 3691824 (VCV003691824.2).

ClinVar aggregate classification (germline): Uncertain significance (1 of 4 stars; one submission).

Conditions:
Congenital contractural arachnodactyly (CCA). Also called: BEALS SYNDROME; Beals-Hecht syndrome; Arthrogryposis, distal, type 9. Identifiers: Orphanet 115, MedGen C0220668, MONDO:0007363, OMIM 121050.

gnomAD v4.1: 5 of 1,613,980 alleles (0.00031%); highest among the groups gnomAD compares: South Asian, 0.0033%; no homozygotes.

Submission:

Labcorp Genetics (formerly Invitae), Labcorp
Classification: Uncertain significance for Congenital contractural arachnodactyly. Last evaluated: 2024-02-07. Review status: criteria provided, single submitter. Criteria: Invitae Variant Classification Sherloc (09022015). Collection method: clinical testing. Allele origin: germline.
Comment: This sequence change replaces serine, which is neutral and polar, with glycine, which is neutral and non-polar, at codon 323 of the FBN2 protein (p.Ser323Gly). This variant is not present in population databases (gnomAD no frequency). This variant has not been reported in the literature in individuals affected with FBN2-related conditions. Advanced modeling of protein sequence and biophysical properties (such as structural, functional, and spatial information, amino acid conservation, physicochemical variation, residue mobility, and thermodynamic stability) performed at Invitae indicates that this missense variant is not expected to disrupt FBN2 protein function with a negative predictive value of 95%. In summary, the available evidence is currently insufficient to determine the role of this variant in disease. Therefore, it has been classified as a Variant of Uncertain Significance.